The following is an entry in ClinVar:

NM_003151.4(STAT4):c.301G>A (p.Val101Ile)

Gene: STAT4 (signal transducer and activator of transcription 4; minus strand). Cytogenetic location: 2q32.2.
Variant type: single nucleotide variant.
Coding change: c.301G>A on transcript NM_003151.4 (MANE Select); coding-DNA position 301, G replaced by A.
Protein change: p.Val101Ile; replaces valine 101 with isoleucine.
Molecular consequence: missense variant.
Genome position (GRCh38, 1-based): chr2:191,076,298, C>T on the plus strand (G>A on the coding strand, the complement: STAT4 is on the minus strand). VCF-style: chr2-191076298-C-T. GRCh37 (hg19) VCF-style: chr2-191941024-C-T.
Other names: c.301G>A, p.Val101Ile (NM_001243835.2); short protein forms V101I.
Identifiers: ClinVar variation 4778457 (VCV004778457.1).
Genomic context (GRCh38, chr2:191,076,298, plus strand): 5'-TGTTGGCTGCAGCCAATATTCTCCTCTCTTCCCTTAAACAGTTTGAAATAACCACAGCTA[C>T]ATGCATTGGATTTCCATGAAATTTTCCCTGAAAAAAAAAACAATGAGCAAAAATAACTAA-3'
Protein context (NP_003142.1, residues 91-111): QGKFHGNPMH[Val101Ile]AVVISNCLRE

ClinVar aggregate classification (germline): Uncertain significance (1 of 4 stars; one submission).

gnomAD v4.1: 2 of 1,606,594 alleles (0.00012%); highest among the groups gnomAD compares: Non-Finnish European, 0.00017%; no homozygotes.

Submission:

Labcorp Genetics (formerly Invitae), Labcorp
Classification: Uncertain significance. Last evaluated: 2025-08-03. Review status: criteria provided, single submitter. Criteria: Invitae Variant Classification Sherloc (09022015). Collection method: clinical testing. Allele origin: germline.
Comment: This sequence change replaces valine, which is neutral and non-polar, with isoleucine, which is neutral and non-polar, at codon 101 of the STAT4 protein (p.Val101Ile). This variant is present in population databases (no rsID available, gnomAD 0.0009%). This variant has not been reported in the literature in individuals affected with STAT4-related conditions. An algorithm developed to predict the effect of missense changes on protein structure and function outputs the following: PolyPhen-2: "Benign". The isoleucine amino acid residue is found in multiple mammalian species, which suggests that this missense change does not adversely affect protein function. In summary, the available evidence is currently insufficient to determine the role of this variant in disease. Therefore, it has been classified as a Variant of Uncertain Significance.